The following is an entry in ClinVar:

ClinVar aggregate classification (germline): Uncertain significance (1 of 4 stars; one submission).

Submission:

GeneDx
Classification: Uncertain significance. Last evaluated: 2025-01-09. Review status: criteria provided, single submitter. Criteria: GeneDx Variant Classification Process June 2021. Collection method: clinical testing. Allele origin: germline.
Comment: Not observed at significant frequency in large population cohorts (gnomAD); In silico analysis supports that this missense variant has a deleterious effect on protein structure/function; Has not been previously published as pathogenic or benign to our knowledge

NM_001470.4(GABBR1):c.2222T>C (p.Phe741Ser)

Gene: GABBR1 (gamma-aminobutyric acid type B receptor subunit 1; minus strand). Cytogenetic location: 6p22.1.
Variant type: single nucleotide variant.
Coding change: c.2222T>C on transcript NM_001470.4 (MANE Select); coding-DNA position 2222, T replaced by C.
Protein change: p.Phe741Ser; replaces phenylalanine 741 with serine.
Molecular consequence: missense variant.
Genome position (GRCh38, 1-based): chr6:29,606,480, A>G on the plus strand (T>C on the coding strand, the complement: GABBR1 is on the minus strand). VCF-style: chr6-29606480-A-G. GRCh37 (hg19) VCF-style: chr6-29574257-A-G.
Other names: c.1691T>C, p.Phe564Ser (NM_001319053.2); c.1871T>C, p.Phe624Ser (NM_021903.3); c.2036T>C, p.Phe679Ser (NM_021904.4); short protein forms F564S, F624S, F679S, F741S.
Identifiers: ClinVar variation 3368537 (VCV003368537.2).